The following is an entry in ClinVar:

NM_002547.3(OPHN1):c.2170A>G (p.Ser724Gly)

Gene: OPHN1 (oligophrenin 1; minus strand). Cytogenetic location: Xq12.
Variant type: single nucleotide variant.
Coding change: c.2170A>G on transcript NM_002547.3 (MANE Select); coding-DNA position 2170, A replaced by G.
Protein change: p.Ser724Gly; replaces serine 724 with glycine.
Molecular consequence: missense variant.
Genome position (GRCh38, 1-based): chrX:68,053,799, T>C on the plus strand (A>G on the coding strand, the complement: OPHN1 is on the minus strand). VCF-style: chrX-68053799-T-C. GRCh37 (hg19) VCF-style: chrX-67273641-T-C.
Other names: short protein forms S724G.
Identifiers: ClinVar variation 586202 (VCV000586202.11), dbSNP rs760163301, ClinGen allele CA10436773.

ClinVar aggregate classification (germline): Conflicting classifications of pathogenicity. Review status: criteria provided, conflicting classifications (1 of 4 stars). 3 submissions from 3 submitters: Uncertain significance (1); Likely benign (2). Last evaluated 2025-03-01.

Conditions:
Inborn genetic diseases. Identifiers: MedGen C0950123, MeSH D030342.

Allele frequency attached by ClinVar (database versions not stated): gnomAD 0.00001; gnomAD exomes 0.00001 and 0.00003; TOPMed 0.00002; ExAC 0.00003.
gnomAD v4.1: 13 of 1,207,445 alleles (0.0011%); highest among the groups gnomAD compares: African/African-American, 0.0018%; no homozygotes.

Submissions (3):

CeGaT Center for Human Genetics Tuebingen
Classification: Likely benign. Last evaluated: 2025-03-01. Review status: criteria provided, single submitter. Criteria: CeGaT Center For Human Genetics Tuebingen Variant Classification Criteria Version 2. Collection method: clinical testing. Allele origin: germline. Affected: yes. Observed: 1 variant allele.
Comment: OPHN1: BP4

Ambry Genetics
Classification: Likely benign for Inborn genetic diseases. Last evaluated: 2022-02-17. Review status: criteria provided, single submitter. Criteria: Ambry Variant Classification Scheme 2023. Collection method: clinical testing. Allele origin: germline.

Athena Diagnostics
Classification: Uncertain significance. Last evaluated: 2018-04-23. Review status: criteria provided, single submitter. Criteria: Athena Diagnostics Criteria. Collection method: clinical testing. Allele origin: germline.